The following is an entry in ClinVar:

NM_001011.4(RPS7):c.102G>A (p.Ser34=)

Gene: RPS7 (ribosomal protein S7; plus strand). Cytogenetic location: 2p25.3.
Variant type: single nucleotide variant.
Coding change: c.102G>A on transcript NM_001011.4 (MANE Select); coding-DNA position 102, G replaced by A.
Protein change: p.Ser34=; no amino-acid change (serine 34 retained).
Molecular consequence: synonymous variant.
Genome position (GRCh38, 1-based): chr2:3,575,843, G>A. VCF-style: chr2-3575843-G-A. GRCh37 (hg19) VCF-style: chr2-3623433-G-A.
Identifiers: ClinVar variation 701730 (VCV000701730.17), dbSNP rs754617897, ClinGen allele CA1516558.

ClinVar aggregate classification (germline): Likely benign. Review status: criteria provided, multiple submitters, no conflicts (2 of 4 stars). 5 submissions from 5 submitters: Likely benign (4). 1 of the submissions does not count toward it. Last evaluated 2025-12-05.

Conditions:
RPS7-related disorder. Also called: RPS7-related condition.
Diamond-Blackfan anemia. Also called: Blackfan Diamond syndrome; Aregenerative anemia chronic congenital; Red cell aplasia, pure hereditary; Congenital hypoplastic anemia; Aase syndrome. Identifiers: Orphanet 124, MedGen C1260899, MeSH D029503, MONDO:0015253, HP:0004810.
Diamond-Blackfan anemia 8 (DBA8). Also called: RPS7-Related Diamond-Blackfan Anemia. Identifiers: Orphanet 124, MedGen C2675511, MONDO:0012939, OMIM 612563.

Allele frequency attached by ClinVar (database versions not stated): ExAC 0.00005; TOPMed 0.00006; gnomAD 0.00008 and 0.00010; gnomAD exomes 0.00008.
gnomAD v4.1: 56 of 1,611,936 alleles (0.0035%); highest among the groups gnomAD compares: Admixed American, 0.057%; no homozygotes.

Submissions (5):

Labcorp Genetics (formerly Invitae), Labcorp
Classification: Likely benign for Diamond-Blackfan anemia 8. Last evaluated: 2025-12-05. Review status: criteria provided, single submitter. Criteria: Invitae Variant Classification Sherloc (09022015). Collection method: clinical testing. Allele origin: germline.

Blueprint Genetics
Classification: Likely benign. Last evaluated: 2024-07-12. Review status: criteria provided, single submitter. Criteria: ACMG Guidelines, 2015. Collection method: clinical testing. Allele origin: germline.

Fulgent Genetics
Classification: Likely benign for Diamond-Blackfan anemia 8. Last evaluated: 2021-09-05. Review status: criteria provided, single submitter. Criteria: ACMG Guidelines, 2015. Collection method: clinical testing. Allele origin: unknown.

Ambry Genetics
Classification: Likely benign for Diamond-Blackfan anemia. Last evaluated: 2016-09-08. Review status: criteria provided, single submitter. Criteria: Ambry Variant Classification Scheme 2023. Collection method: clinical testing. Allele origin: germline.

PreventionGenetics, part of Exact Sciences
Classification: Likely benign for RPS7-related condition. Last evaluated: 2021-06-21. Review status: no assertion criteria provided. Collection method: clinical testing. Allele origin: germline. Not counted in ClinVar's aggregate classification.
Comment: This variant is classified as likely benign based on ACMG/AMP sequence variant interpretation guidelines (Richards et al. 2015 PMID: 25741868, with internal and published modifications).